The following is an entry in ClinVar:

ClinVar aggregate classification (germline): Uncertain significance. Review status: criteria provided, multiple submitters, no conflicts (2 of 4 stars). 2 submissions from 2 submitters: Uncertain significance (2). Last evaluated 2025-05-26.

Conditions:
Hereditary cancer-predisposing syndrome. Also called: Neoplastic Syndromes, Hereditary; Tumor predisposition; Hereditary neoplastic syndrome; Hereditary Cancer Syndrome. Identifiers: Orphanet 140162, MedGen C0027672, MeSH D009386, MONDO:0015356.

gnomAD v4.1: 1 of 1,590,664 alleles (0.000063%); highest among the groups gnomAD compares: Non-Finnish European, 0.000085%; no homozygotes.

Submissions (2):

Labcorp Genetics (formerly Invitae), Labcorp
Classification: Uncertain significance. Last evaluated: 2025-05-26. Review status: criteria provided, single submitter. Criteria: Invitae Variant Classification Sherloc (09022015). Collection method: clinical testing. Allele origin: germline.
Comment: This sequence change replaces valine, which is neutral and non-polar, with alanine, which is neutral and non-polar, at codon 1518 of the POLE protein (p.Val1518Ala). This variant is not present in population databases (gnomAD no frequency). This variant has not been reported in the literature in individuals affected with POLE-related conditions. ClinVar contains an entry for this variant (Variation ID: 3308400). An algorithm developed to predict the effect of missense changes on protein structure and function (PolyPhen-2) suggests that this variant is likely to be disruptive. In summary, the available evidence is currently insufficient to determine the role of this variant in disease. Therefore, it has been classified as a Variant of Uncertain Significance.

Ambry Genetics
Classification: Uncertain significance for Hereditary cancer-predisposing syndrome. Last evaluated: 2024-05-04. Review status: criteria provided, single submitter. Criteria: Ambry Variant Classification Scheme 2023. Collection method: clinical testing. Allele origin: germline.
Comment: The p.V1518A variant (also known as c.4553T>C), located in coding exon 36 of the POLE gene, results from a T to C substitution at nucleotide position 4553. The valine at codon 1518 is replaced by alanine, an amino acid with similar properties. This amino acid position is conserved. In addition, the in silico prediction for this alteration is inconclusive. Based on the available evidence, the clinical significance of this variant remains unclear.

NM_006231.4(POLE):c.4553T>C (p.Val1518Ala)

Gene: POLE (DNA polymerase epsilon, catalytic subunit; minus strand). Cytogenetic location: 12q24.33.
Variant type: single nucleotide variant.
Coding change: c.4553T>C on transcript NM_006231.4 (MANE Select); coding-DNA position 4553, T replaced by C.
Protein change: p.Val1518Ala; replaces valine 1518 with alanine.
Molecular consequence: missense variant.
Genome position (GRCh38, 1-based): chr12:132,642,995, A>G on the plus strand (T>C on the coding strand, the complement: POLE is on the minus strand). VCF-style: chr12-132642995-A-G. GRCh37 (hg19) VCF-style: chr12-133219581-A-G.
Other names: short protein forms V1518A.
Identifiers: ClinVar variation 3308400 (VCV003308400.2).
Genomic context (GRCh38, chr12:132,642,995, plus strand): 5'-AGGAGGAGGCCGTGCTCTGCTGAGTACAGGGCGCCAAGGCTGGGCATCTGGTTGCTGCGC[A>G]CCTAGACCAACGCAGGCCACGTCAGCCTCCCCCTGCGCAGGAGGAAGTGGGGGCAGCCCT-3'
Protein context (NP_006222.2, residues 1508-1528): RRASVFVLDT[Val1518Ala]RSNQMPSLGA